The following is an entry in ClinVar:

NM_032043.3(BRIP1):c.2909A>C (p.Asp970Ala)

Gene: BRIP1 (BRCA1 interacting DNA helicase 1; minus strand). Cytogenetic location: 17q23.2.
Variant type: single nucleotide variant.
Coding change: c.2909A>C on transcript NM_032043.3 (MANE Select); coding-DNA position 2909, A replaced by C.
Protein change: p.Asp970Ala; replaces aspartic acid 970 with alanine.
Molecular consequence: missense variant.
Genome position (GRCh38, 1-based): chr17:61,684,137, T>G on the plus strand (A>C on the coding strand, the complement: BRIP1 is on the minus strand). VCF-style: chr17-61684137-T-G. GRCh37 (hg19) VCF-style: chr17-59761498-T-G.
Other names: short protein forms D970A.
Identifiers: ClinVar variation 2626375 (VCV002626375.5), dbSNP rs2144094328, ClinGen allele CA400480766.
Genomic context (GRCh38, chr17:61,684,137, plus strand): 5'-CTTGTGGATCTGGAAATCACAATTTTTTCTGCTTTCCCTGCTTCTTCCAGGAATACTGGA[T>G]CATCTAAGAATACAAGAATTTAAGAGATTTAACTTTCTGCTCCTAGCTAACATAATTGCT-3'
Protein context (NP_114432.2, residues 960-980): SSIISRKEKN[Asp970Ala]PVFLEEAGKA

ClinVar aggregate classification (germline): Uncertain significance. Review status: criteria provided, multiple submitters, no conflicts (2 of 4 stars). 2 submissions from 2 submitters: Uncertain significance (2). Last evaluated 2025-10-29.

Conditions:
Fanconi anemia complementation group J. Also called: BRIP1-Related Fanconi Anemia. Identifiers: Orphanet 84, MedGen C1836860, MONDO:0012187, OMIM 609054.
Familial cancer of breast. Also called: Hereditary breast cancer; hereditary breast carcinoma; BREAST CANCER, FAMILIAL. Identifiers: Orphanet 227535, MedGen C0346153, MONDO:0016419, OMIM 114480. Disease mechanism: loss of function.
Hereditary cancer-predisposing syndrome. Also called: Tumor predisposition; Neoplastic Syndromes, Hereditary; Hereditary Cancer Syndrome; Hereditary neoplastic syndrome. Identifiers: Orphanet 140162, MedGen C0027672, MeSH D009386, MONDO:0015356.

Allele frequency attached by ClinVar (database versions not stated): gnomAD exomes below 0.00001.
gnomAD v4.1: 4 of 1,613,462 alleles (0.00025%); highest among the groups gnomAD compares: Non-Finnish European, 0.00025%; no homozygotes.

Submissions (2):

Ambry Genetics
Classification: Uncertain significance for Hereditary cancer-predisposing syndrome. Last evaluated: 2025-10-29. Review status: criteria provided, single submitter. Criteria: Ambry Variant Classification Scheme 2023. Collection method: clinical testing. Allele origin: germline.
Comment: The p.D970A variant (also known as c.2909A>C), located in coding exon 19 of the BRIP1 gene, results from an A to C substitution at nucleotide position 2909. The aspartic acid at codon 970 is replaced by alanine, an amino acid with dissimilar properties. This amino acid position is conserved. In addition, this alteration is predicted to be tolerated by in silico analysis. Since supporting evidence is limited at this time, the clinical significance of this alteration remains unclear.

Labcorp Genetics (formerly Invitae), Labcorp
Classification: Uncertain significance for Familial cancer of breast; Fanconi anemia complementation group J. Last evaluated: 2023-11-24. Review status: criteria provided, single submitter. Criteria: Invitae Variant Classification Sherloc (09022015). Collection method: clinical testing. Allele origin: germline.
Comment: This sequence change replaces aspartic acid, which is acidic and polar, with alanine, which is neutral and non-polar, at codon 970 of the BRIP1 protein (p.Asp970Ala). This variant is not present in population databases (gnomAD no frequency). This variant has not been reported in the literature in individuals affected with BRIP1-related conditions. Algorithms developed to predict the effect of missense changes on protein structure and function output the following: SIFT: "Not Available"; PolyPhen-2: "Benign"; Align-GVGD: "Not Available". The alanine amino acid residue is found in multiple mammalian species, which suggests that this missense change does not adversely affect protein function. In summary, the available evidence is currently insufficient to determine the role of this variant in disease. Therefore, it has been classified as a Variant of Uncertain Significance.